The following is an entry in ClinVar:

NM_000137.4(FAH):c.1203C>A (p.Tyr401Ter)

Gene: FAH (fumarylacetoacetate hydrolase; plus strand). Cytogenetic location: 15q25.1.
Variant type: single nucleotide variant.
Coding change: c.1203C>A on transcript NM_000137.4 (MANE Select); coding-DNA position 1203, C replaced by A.
Protein change: p.Tyr401Ter; replaces tyrosine 401 with a stop codon.
Molecular consequence: nonsense.
Genome position (GRCh38, 1-based): chr15:80,186,152, C>A. VCF-style: chr15-80186152-C-A. GRCh37 (hg19) VCF-style: chr15-80478494-C-A.
Other names: c.1203C>A, p.Tyr401Ter (NM_001374377.1, NM_001374380.1); short protein forms Y401*.
Identifiers: ClinVar variation 1066400 (VCV001066400.9), dbSNP rs2041368952, ClinGen allele CA393622175.

ClinVar aggregate classification (germline): Pathogenic (1 of 4 stars; one submission).

Conditions:
Tyrosinemia type I (TYRSN1). Also called: Tyrosinemia type 1; Fumarylacetoacetase deficiency; Deficiency of fumarylacetoacetase; HEPATORENAL TYROSINEMIA; FAH DEFICIENCY. Identifiers: Orphanet 882, MedGen C0268490, MONDO:0010161, OMIM 276700. Disease mechanism: loss of function.

Submission:

Labcorp Genetics (formerly Invitae), Labcorp
Classification: Pathogenic for Tyrosinemia type I. Last evaluated: 2023-10-03. Review status: criteria provided, single submitter. Criteria: Invitae Variant Classification Sherloc (09022015). Collection method: clinical testing. Allele origin: germline.
Comment: This sequence change creates a premature translational stop signal (p.Tyr401*) in the FAH gene. While this is not anticipated to result in nonsense mediated decay, it is expected to disrupt the last 19 amino acid(s) of the FAH protein. This variant is not present in population databases (gnomAD no frequency). This variant has not been reported in the literature in individuals affected with FAH-related conditions. ClinVar contains an entry for this variant (Variation ID: 1066400). This variant disrupts a region of the FAH protein in which other variant(s) (p.Val412Glu) have been determined to be pathogenic (Invitae). This suggests that this is a clinically significant region of the protein, and that variants that disrupt it are likely to be disease-causing. For these reasons, this variant has been classified as Pathogenic.